The following is an entry in ClinVar:

NM_001111125.3(IQSEC2):c.2770A>G (p.Ile924Val)

Gene: IQSEC2 (IQ motif and Sec7 domain ArfGEF 2; minus strand). Cytogenetic location: Xp11.22.
Variant type: single nucleotide variant.
Coding change: c.2770A>G on transcript NM_001111125.3 (MANE Select); coding-DNA position 2770, A replaced by G.
Protein change: p.Ile924Val; replaces isoleucine 924 with valine.
Molecular consequence: missense variant.
Genome position (GRCh38, 1-based): chrX:53,243,451, T>C on the plus strand (A>G on the coding strand, the complement: IQSEC2 is on the minus strand). VCF-style: chrX-53243451-T-C. GRCh37 (hg19) VCF-style: chrX-53272633-T-C.
Other names: c.2155A>G, p.Ile719Val (NM_015075.2); short protein forms I719V, I924V.
Identifiers: ClinVar variation 1699272 (VCV001699272.3), dbSNP rs2147060656, ClinGen allele CA413154339.

ClinVar aggregate classification (germline): Uncertain significance (1 of 4 stars; one submission).

Conditions:
Intellectual developmental disorder, X-linked 1. Also called: MENTAL RETARDATION, X-LINKED 18; MENTAL RETARDATION, X-LINKED 78; Intellectual disability, X-linked 1; Atkin Flaitz Patil Smith syndrome. Identifiers: Orphanet 777, MedGen C2931498, MONDO:0010656, OMIM 309530.

Allele frequency attached by ClinVar (database versions not stated): gnomAD exomes 0.00001.
gnomAD v4.1: 7 of 1,178,364 alleles (0.00059%); highest among the groups gnomAD compares: Non-Finnish European, 0.0008%; no homozygotes.

Submission:

Victorian Clinical Genetics Services, Murdoch Childrens Research Institute
Classification: Uncertain significance for Intellectual developmental disorder, X-linked 1. Last evaluated: 2022-09-02. Review status: criteria provided, single submitter. Criteria: ACMG Guidelines, 2015. Collection method: clinical testing. Allele origin: germline. Inheritance: X-linked dominant inheritance. Affected: yes.
Comment: Based on the classification scheme VCGS_Germline_v1.3.4, this variant is classified as VUS-3B. Following criteria are met: 0102 - Loss of function is a known mechanism of disease in this gene and is associated with X-linked intellectual developmental disorder 1 (MIM#309530). (I) 0110 - This gene is associated with X-linked disease. Males present with a severe early-onset condition, whereas females can be asymptomatic carriers, or be symptomatic and milder with a later onset (PMID: 30206421). (I) 0200 - Variant is predicted to result in a missense amino acid change from isoleucine to valine. (I) 0253 - This variant is hemizygous. (I) 0301 - Variant is absent from gnomAD (both v2 and v3). (SP) 0502 - Missense variant with conflicting in silico predictions and uninformative conservation. (I) 0600 - Variant is located in the annotated Sec7 domain (DECIPHER). (I) 0705 - No comparable missense variants have previous evidence for pathogenicity. (I) 0807 - This variant has no previous evidence of pathogenicity. (I) 0905 - No published segregation evidence has been identified for this variant. (I) 1007 - No published functional evidence has been identified for this variant. (I) Legend: (SP) - Supporting pathogenic, (I) - Information, (SB) - Supporting benign

Literature cited by the submitters: PubMed 30206421.